The following is an entry in ClinVar:

NM_177550.5(SLC13A5):c.1575+5C>T

Gene: SLC13A5 (solute carrier family 13 member 5; minus strand). Cytogenetic location: 17p13.1.
Variant type: single nucleotide variant.
Coding change: c.1575+5C>T on transcript NM_177550.5 (MANE Select); 5 bases into the intron after coding-DNA position 1575, C replaced by T.
Molecular consequence: intron variant.
Genome position (GRCh38, 1-based): chr17:6,687,524, G>A on the plus strand (C>T on the coding strand, the complement: SLC13A5 is on the minus strand). VCF-style: chr17-6687524-G-A. GRCh37 (hg19) VCF-style: chr17-6590843-G-A.
Other names: c.1446+5C>T (NM_001284510.2); c.1524+5C>T (NM_001284509.2); c.1438-1186C>T (NM_001143838.3).
Identifiers: ClinVar variation 662875 (VCV000662875.4), dbSNP rs778223098, ClinGen allele CA8331340.

ClinVar aggregate classification (germline): Uncertain significance (1 of 4 stars; one submission).

Conditions:
Developmental and epileptic encephalopathy, 25 (DEE25). Also called: Epileptic encephalopathy, early infantile, 25; Developmental and epileptic encephalopathy 25, with amelogenesis imperfecta; Epileptic encephalopathy, early infantile, 25, with amelogenesis imperfecta. Identifiers: Orphanet 442835, MedGen C4014621, MONDO:0014392, OMIM 615905.

Allele frequency attached by ClinVar (database versions not stated): ExAC 0.00001; gnomAD 0.00001; TOPMed 0.00001; gnomAD exomes 0.00001.
gnomAD v4.1: 18 of 1,613,550 alleles (0.0011%); highest among the groups gnomAD compares: East Asian, 0.0045%; no homozygotes.

Submission:

Labcorp Genetics (formerly Invitae), Labcorp
Classification: Uncertain significance for Developmental and epileptic encephalopathy, 25. Last evaluated: 2022-08-23. Review status: criteria provided, single submitter. Criteria: Invitae Variant Classification Sherloc (09022015). Collection method: clinical testing. Allele origin: germline.
Comment: This sequence change falls in intron 11 of the SLC13A5 gene. It does not directly change the encoded amino acid sequence of the SLC13A5 protein. It affects a nucleotide within the consensus splice site. This variant is present in population databases (rs778223098, gnomAD 0.007%). This variant has not been reported in the literature in individuals affected with SLC13A5-related conditions. ClinVar contains an entry for this variant (Variation ID: 662875). Variants that disrupt the consensus splice site are a relatively common cause of aberrant splicing (PMID: 17576681, 9536098). Algorithms developed to predict the effect of sequence changes on RNA splicing suggest that this variant is not likely to affect RNA splicing. In summary, the available evidence is currently insufficient to determine the role of this variant in disease. Therefore, it has been classified as a Variant of Uncertain Significance.

Literature cited by the submitters: PubMed 17576681; PubMed 9536098.